The following is an entry in ClinVar:

NM_012280.4(FTSJ1):c.122-6G>C

Gene: FTSJ1 (FtsJ RNA 2'-O-methyltransferase 1; plus strand). Cytogenetic location: Xp11.23.
Variant type: single nucleotide variant.
Coding change: c.122-6G>C on transcript NM_012280.4 (MANE Select); 6 bases into the intron before coding-DNA position 122, G replaced by C.
Molecular consequence: intron variant.
Genome position (GRCh38, 1-based): chrX:48,478,443, G>C. VCF-style: chrX-48478443-G-C. GRCh37 (hg19) VCF-style: chrX-48336831-G-C.
Other names: c.122-6G>C (NM_001441197.1, NM_001441199.1, NM_001441195.1 and 4 more transcripts); c.-76-595G>C (NM_001282157.2).
Identifiers: ClinVar variation 3235746 (VCV003235746.1), dbSNP rs2519382046, ClinGen allele CA2825002944.

ClinVar aggregate classification (germline): Uncertain significance (1 of 4 stars; one submission).

Submission:

Greenwood Genetic Center Diagnostic Laboratories, Greenwood Genetic Center
Classification: Uncertain significance. Last evaluated: 2024-02-14. Review status: criteria provided, single submitter. Criteria: ACMG Guidelines, 2015. Collection method: clinical testing. Allele origin: germline. Affected: yes.
Comment: PM2